The following is an entry in ClinVar:

ClinVar aggregate classification (germline): Uncertain significance (1 of 4 stars; one submission).

Conditions:
Primary ciliary dyskinesia. Also called: Ciliary dyskinesia. Identifiers: Orphanet 244, MedGen C0008780, MONDO:0016575, HP:0012265.

Allele frequency attached by ClinVar (database versions not stated): TOPMed 0.00001.

Submission:

Labcorp Genetics (formerly Invitae), Labcorp
Classification: Uncertain significance for Primary ciliary dyskinesia. Last evaluated: 2017-01-10. Review status: criteria provided, single submitter. Criteria: Invitae Variant Classification Sherloc (09022015). Collection method: clinical testing. Allele origin: germline.
Comment: In summary, this variant is a novel in-frame duplication with uncertain impact on protein function. There is no indication that it causes disease, but the available evidence is currently insufficient to prove that conclusively. Therefore, it has been classified as a Variant of Uncertain Significance. Experimental studies and prediction algorithms are not available for this variant, and the functional significance of the duplicated amino acids is currently unknown. While this variant is not present in population databases, the frequency information is unreliable, as metrics indicate poor data quality at this position in the ExAC database. This variant has not been reported in the literature in individuals with a DNAAF2-related disease. This sequence change inserts 6 nucleotides in exon 1 of the DNAAF2 mRNA (c.1089_1094dupCGCCGC). This leads to the insertion of 2 amino acid residues in the DNAAF2 protein (p.Ala364_Ala365dup) but otherwise preserves the integrity of the reading frame.

NM_018139.3(DNAAF2):c.1083CGC[6] (p.Ala364_Ala365dup)

Genes: DNAAF2 (dynein axonemal assembly factor 2; minus strand), LOC130055542 (ATAC-STARR-seq lymphoblastoid silent region 5699; plus strand). Cytogenetic location: 14q21.3.
Variant type: Microsatellite.
Coding change: c.1083CGC[6] on transcript NM_018139.3 (MANE Select); six copies in a row of the 3-base unit CGC starting at c.1083; the reference has four copies in a row; two copies, 6 bases duplicated.
Protein change: p.Ala364_Ala365dup.
Molecular consequence: inframe insertion.
Genome position (GRCh38, 1-based): chr14:49,634,056-49,634,061, GCGGCG duplicated on the plus strand (CGCCGC on the coding strand, the reverse complement: DNAAF2 is on the minus strand); duplicating any 6 consecutive bases within chr14:49,634,056-49,634,067 gives the same sequence; the position shown is the placement nearest the transcript's 3' end. VCF-style (leftmost placement, unchanged base first): chr14-49634055-C-CGCGGCG. GRCh37 (hg19) VCF-style: chr14-50100773-C-CGCGGCG.
Other names: c.1083CGC[6], p.Ala364_Ala365dup (NM_001083908.2).
Identifiers: ClinVar variation 454897 (VCV000454897.8), dbSNP rs745419780, ClinGen allele CA614273710.